The following is an entry in ClinVar:

NM_004958.4(MTOR):c.5668C>A (p.Arg1890Ser)

Gene: MTOR (mechanistic target of rapamycin kinase; minus strand). Cytogenetic location: 1p36.22.
Variant type: single nucleotide variant.
Coding change: c.5668C>A on transcript NM_004958.4 (MANE Select); coding-DNA position 5668, C replaced by A.
Protein change: p.Arg1890Ser; replaces arginine 1890 with serine.
Molecular consequence: missense variant.
Genome position (GRCh38, 1-based): chr1:11,129,784, G>T on the plus strand (C>A on the coding strand, the complement: MTOR is on the minus strand). VCF-style: chr1-11129784-G-T. GRCh37 (hg19) VCF-style: chr1-11189841-G-T.
Other names: c.5668C>A, p.Arg1890Ser (NM_001386500.1); c.4420C>A, p.Arg1474Ser (NM_001386501.1); short protein forms R1474S, R1890S.
Identifiers: ClinVar variation 2711890 (VCV002711890.3), dbSNP rs1376396626, ClinGen allele CA338397633.

ClinVar aggregate classification (germline): Uncertain significance (1 of 4 stars; one submission).

Submission:

Labcorp Genetics (formerly Invitae), Labcorp
Classification: Uncertain significance. Last evaluated: 2023-06-20. Review status: criteria provided, single submitter. Criteria: Invitae Variant Classification Sherloc (09022015). Collection method: clinical testing. Allele origin: germline.
Comment: In summary, the available evidence is currently insufficient to determine the role of this variant in disease. Therefore, it has been classified as a Variant of Uncertain Significance. Advanced modeling of protein sequence and biophysical properties (such as structural, functional, and spatial information, amino acid conservation, physicochemical variation, residue mobility, and thermodynamic stability) performed at Invitae indicates that this missense variant is not expected to disrupt MTOR protein function. This variant has not been reported in the literature in individuals affected with MTOR-related conditions. This variant is not present in population databases (gnomAD no frequency). This sequence change replaces arginine, which is basic and polar, with serine, which is neutral and polar, at codon 1890 of the MTOR protein (p.Arg1890Ser).